The following is an entry in ClinVar:

NC_012920.1(MT-TR):m.10440T>C

Gene: MT-TR (mitochondrially encoded tRNA arginine; plus strand).
Variant type: single nucleotide variant.
Genome position: chrM-10440-T-C.
Identifiers: ClinVar variation 690119 (VCV000690119.1), dbSNP rs1603222833, ClinGen allele CA913163262.

ClinVar aggregate classification (germline): Benign (1 of 4 stars; one submission).

Conditions:
MELAS syndrome (MELAS). Also called: Juvenile myopathy, encephalopathy, lactic acidosis, stroke. Identifiers: Orphanet 550, MedGen C0162671, MONDO:0010789, OMIM 540000.

Submission:

Wong Mito Lab, Molecular and Human Genetics, Baylor College of Medicine
Classification: Benign for MELAS syndrome. Last evaluated: 2019-07-12. Review status: criteria provided, single submitter. Criteria: Modified ACMG Guidelines (Unpublished). Collection method: clinical testing. Allele origin: germline.
Comment: The NC_012920.1:m.10440T>C variant in MT-TR gene is interpreted to be a Benign variant based on the modified ACMG guidelines (unpublished). This variant meets the following evidence codes reported in the guidelines: BS1, BS4

Literature cited by the submitters: PubMed 31965079.